The following is an entry in ClinVar:

NC_000019.10:g.(?_10378194)_(10378426_?)dup

Gene: TYK2 (tyrosine kinase 2; minus strand). Cytogenetic location: 19p13.2.
Variant type: Duplication.
Identifiers: ClinVar variation 830891 (VCV000830891.1).

ClinVar aggregate classification (germline): Uncertain significance (1 of 4 stars; one submission).

Conditions:
Immunodeficiency 35 (IMD35). Also called: TYK2 DEFICIENCY; HIES WITH ATYPICAL MYCOBACTERIOSIS, AUTOSOMAL RECESSIVE; HYPER-IgE SYNDROME WITH ATYPICAL MYCOBACTERIOSIS, AUTOSOMAL RECESSIVE; Susceptibility to infection due to TYK2 deficiency. Identifiers: Orphanet 331226, MedGen C1969086, MONDO:0012682, OMIM 611521.

Submission:

Labcorp Genetics (formerly Invitae), Labcorp
Classification: Uncertain significance for Tyrosine kinase 2 deficiency. Last evaluated: 2019-11-06. Review status: criteria provided, single submitter. Criteria: Invitae Variant Classification Sherloc (09022015). Collection method: clinical testing. Allele origin: germline.
Comment: This variant results in a copy number gain of the genomic region encompassing exon 3 of the TYK2 gene, which includes the initiator codon. The 5' end of this event is unknown as it extends beyond the assayed region for this gene and therefore may encompass additional genes. The 3' boundary is likely confined to intron 3 of the TYK2 gene. As the precise location of this event is unknown, it may be in tandem or it may be located elsewhere in the genome. This variant has not been reported in the literature in individuals with TYK2-related conditions. In summary, the available evidence is currently insufficient to determine the role of this variant in disease. Therefore, it has been classified as a Variant of Uncertain Significance.